The following is an entry in ClinVar:

ClinVar aggregate classification (germline): Uncertain significance (1 of 4 stars; one submission).

Submission:

GeneDx
Classification: Uncertain significance. Last evaluated: 2020-05-08. Review status: criteria provided, single submitter. Criteria: GeneDx Variant Classification Process June 2021. Collection method: clinical testing. Allele origin: germline. Affected: yes.
Comment: Not observed in large population cohorts (Lek et al., 2016); In silico analysis supports that this missense variant has a deleterious effect on protein structure/function; Has not been previously published as pathogenic or benign to our knowledge

NM_001145358.2(SIN3A):c.2455T>G (p.Phe819Val)

Gene: SIN3A (SIN3 transcription regulator family member A; minus strand). Cytogenetic location: 15q24.2.
Variant type: single nucleotide variant.
Coding change: c.2455T>G on transcript NM_001145358.2 (MANE Select); coding-DNA position 2455, T replaced by G.
Protein change: p.Phe819Val; replaces phenylalanine 819 with valine.
Molecular consequence: missense variant.
Genome position (GRCh38, 1-based): chr15:75,392,638, A>C on the plus strand (T>G on the coding strand, the complement: SIN3A is on the minus strand). VCF-style: chr15-75392638-A-C. GRCh37 (hg19) VCF-style: chr15-75684979-A-C.
Other names: c.2455T>G, p.Phe819Val (NM_001145357.2, NM_015477.3); short protein forms F819V.
Identifiers: ClinVar variation 1213323 (VCV001213323.3), dbSNP rs2141426102, ClinGen allele CA393491608.